The following is an entry in ClinVar:

NM_004444.5(EPHB4):c.616C>T (p.Arg206Ter)

Gene: EPHB4 (EPH receptor B4; minus strand). Cytogenetic location: 7q22.1.
Variant type: single nucleotide variant.
Coding change: c.616C>T on transcript NM_004444.5 (MANE Select); coding-DNA position 616, C replaced by T.
Protein change: p.Arg206Ter; replaces arginine 206 with a stop codon.
Molecular consequence: nonsense.
Genome position (GRCh38, 1-based): chr7:100,822,463, G>A on the plus strand (C>T on the coding strand, the complement: EPHB4 is on the minus strand). VCF-style: chr7-100822463-G-A. GRCh37 (hg19) VCF-style: chr7-100420085-G-A.
Other names: short protein forms R206*.
Identifiers: ClinVar variation 1751992 (VCV001751992.2), dbSNP rs746199977, ClinGen allele CA4393252.

ClinVar aggregate classification (germline): Pathogenic (1 of 4 stars; one submission).

Conditions:
Cardiovascular phenotype. Identifiers: MedGen CN230736.

Allele frequency attached by ClinVar (database versions not stated): ExAC 0.00003.
gnomAD v4.1: 6 of 1,608,536 alleles (0.00037%); highest among the groups gnomAD compares: Admixed American, 0.0084%; no homozygotes.

Submission:

Ambry Genetics
Classification: Pathogenic for Cardiovascular phenotype. Last evaluated: 2022-03-16. Review status: criteria provided, single submitter. Criteria: Ambry Variant Classification Scheme 2023. Collection method: clinical testing. Allele origin: germline.
Comment: The p.R206* pathogenic mutation (also known as c.616C>T), located in coding exon 4 of the EPHB4 gene, results from a C to T substitution at nucleotide position 616. This changes the amino acid from an arginine to a stop codon within coding exon 4. This variant is considered to be rare based on population cohorts in the Genome Aggregation Database (gnomAD). This alteration is expected to result in loss of function by premature protein truncation or nonsense-mediated mRNA decay. As such, this alteration is interpreted as a disease-causing mutation.